The following is an entry in ClinVar:

NM_000152.5(GAA):c.1209C>T (p.Asn403=)

Gene: GAA (alpha glucosidase; plus strand). Cytogenetic location: 17q25.3.
Variant type: single nucleotide variant.
Coding change: c.1209C>T on transcript NM_000152.5 (MANE Select); coding-DNA position 1209, C replaced by T.
Protein change: p.Asn403=; no amino-acid change (asparagine 403 retained).
Molecular consequence: synonymous variant.
Genome position (GRCh38, 1-based): chr17:80,108,711, C>T. VCF-style: chr17-80108711-C-T. GRCh37 (hg19) VCF-style: chr17-78082510-C-T.
Other names: c.1209C>T (LRG_673t1); c.1209C>T, p.Asn403= (NM_001079803.3, NM_001079804.3).
Identifiers: ClinVar variation 513706 (VCV000513706.12), dbSNP rs751333479, ClinGen allele CA8815233.
Genomic context (GRCh38, chr17:80,108,711, plus strand): 5'-CGCGTCTCCTCAGGCCCCAGCAGACGGTCCCGTGTTGTGGCTGCAGGACGTCCAGTGGAA[C>T]GACCTGGACTACATGGACTCCCGGAGGGACTTCACGTTCAACAAGGATGGCTTCCGGGAC-3'
Protein context (NP_000143.2, residues 393-413): RAHFPLDVQW[Asn403=]DLDYMDSRRD

ClinVar aggregate classification (germline): Likely benign. Review status: criteria provided, multiple submitters, no conflicts (2 of 4 stars). 3 submissions from 3 submitters: Likely benign (3). Last evaluated 2024-04-12.

Conditions:
Glycogen storage disease, type II (IOPD). Also called: CARDIOMEGALIA GLYCOGENICA DIFFUSA; ACID ALPHA-GLUCOSIDASE DEFICIENCY, INFANTILE-ONSET; GAA DEFICIENCY, INFANTILE-ONSET; ACID MALTASE DEFICIENCY, INFANTILE-ONSET; Glucosidase acid-1,4-alpha deficiency; Pompe Disease. Identifiers: Orphanet 365, MedGen C0017921, MONDO:0009290, OMIM 232300.
Cardiovascular phenotype. Identifiers: MedGen CN230736.

Allele frequency attached by ClinVar (database versions not stated): gnomAD exomes below 0.00001 and 0.00001; ExAC 0.00001.
gnomAD v4.1: 10 of 1,612,718 alleles (0.00062%); highest among the groups gnomAD compares: East Asian, 0.0022%; no homozygotes.

Submissions (3):

Labcorp Genetics (formerly Invitae), Labcorp
Classification: Likely benign for Glycogen storage disease, type II. Last evaluated: 2024-04-12. Review status: criteria provided, single submitter. Criteria: Invitae Variant Classification Sherloc (09022015). Collection method: clinical testing. Allele origin: germline.

Ambry Genetics
Classification: Likely benign for Cardiovascular phenotype. Last evaluated: 2019-10-17. Review status: criteria provided, single submitter. Criteria: Ambry Variant Classification Scheme 2023. Collection method: clinical testing. Allele origin: germline.

GeneDx
Classification: Likely benign. Last evaluated: 2017-11-30. Review status: criteria provided, single submitter. Criteria: GeneDx Variant Classification (06012015). Collection method: clinical testing. Allele origin: germline. Affected: yes.
Comment: This variant is considered likely benign or benign based on one or more of the following criteria: it is a conservative change, it occurs at a poorly conserved position in the protein, it is predicted to be benign by multiple in silico algorithms, and/or has population frequency not consistent with disease.